The following is an entry in ClinVar:

ClinVar aggregate classification (germline): Uncertain significance. Review status: criteria provided, multiple submitters, no conflicts (2 of 4 stars). 2 submissions from 2 submitters: Uncertain significance (2). Last evaluated 2026-01-15.

Conditions:
DICER1-related tumor predisposition. Also called: DICER1-related pleuropulmonary blastoma cancer predisposition syndrome; DICER1 syndrome. Identifiers: Orphanet 284343, MedGen C3839822, MONDO:0100216.
Hereditary cancer-predisposing syndrome. Also called: Tumor predisposition; Neoplastic Syndromes, Hereditary; Hereditary Cancer Syndrome; Hereditary neoplastic syndrome. Identifiers: Orphanet 140162, MedGen C0027672, MeSH D009386, MONDO:0015356.

Allele frequency attached by ClinVar (database versions not stated): TOPMed 0.00001.
gnomAD v4.1: 39 of 1,614,092 alleles (0.0024%); highest among the groups gnomAD compares: Non-Finnish European, 0.0031%; 1 homozygote.

Submissions (2):

Labcorp Genetics (formerly Invitae), Labcorp
Classification: Uncertain significance for DICER1-related tumor predisposition. Last evaluated: 2026-01-15. Review status: criteria provided, single submitter. Criteria: Invitae Variant Classification Sherloc (09022015). Collection method: clinical testing. Allele origin: germline.
Comment: This sequence change replaces asparagine, which is neutral and polar, with serine, which is neutral and polar, at codon 1186 of the DICER1 protein (p.Asn1186Ser). This variant is present in population databases (no rsID available, gnomAD 0.007%). This variant has not been reported in the literature in individuals affected with DICER1-related conditions. ClinVar contains an entry for this variant (Variation ID: 477148). Invitae Evidence Modeling of protein sequence and biophysical properties (such as structural, functional, and spatial information, amino acid conservation, physicochemical variation, residue mobility, and thermodynamic stability) indicates that this missense variant is not expected to disrupt DICER1 protein function with a negative predictive value of 95%. RNA analysis performed to evaluate the impact of this missense change on mRNA splicing indicates it does not significantly alter splicing (internal data). In summary, the available evidence is currently insufficient to determine the role of this variant in disease. Therefore, it has been classified as a Variant of Uncertain Significance.

Ambry Genetics
Classification: Uncertain significance for Hereditary cancer-predisposing syndrome. Last evaluated: 2025-08-19. Review status: criteria provided, single submitter. Criteria: Ambry Variant Classification Scheme 2023. Collection method: clinical testing. Allele origin: germline.
Comment: The p.N1186S variant (also known as c.3557A>G), located in coding exon 20 of the DICER1 gene, results from an A to G substitution at nucleotide position 3557. The asparagine at codon 1186 is replaced by serine, an amino acid with highly similar properties. This amino acid position is well conserved in available vertebrate species. In addition, this alteration is predicted to be tolerated by in silico analysis. Since supporting evidence is limited at this time, the clinical significance of this alteration remains unclear.

NM_177438.3(DICER1):c.3557A>G (p.Asn1186Ser)

Gene: DICER1 (dicer 1, ribonuclease III; minus strand). Cytogenetic location: 14q32.13.
Variant type: single nucleotide variant.
Coding change: c.3557A>G on transcript NM_177438.3 (MANE Select); coding-DNA position 3557, A replaced by G.
Protein change: p.Asn1186Ser; replaces asparagine 1186 with serine.
Molecular consequence: missense variant.
Genome position (GRCh38, 1-based): chr14:95,103,839, T>C on the plus strand (A>G on the coding strand, the complement: DICER1 is on the minus strand). VCF-style: chr14-95103839-T-C. GRCh37 (hg19) VCF-style: chr14-95570176-T-C.
Other names: c.3557A>G, p.Asn1186Ser (NM_001195573.1, NM_001271282.3, NM_001291628.2 and 1 more transcripts); short protein forms N1186S.
Identifiers: ClinVar variation 477148 (VCV000477148.17), dbSNP rs201523588, ClinGen allele CA390874940.